The following is an entry in ClinVar:

NM_001134407.3(GRIN2A):c.2191G>A (p.Asp731Asn)

Gene: GRIN2A (glutamate ionotropic receptor NMDA type subunit 2A; minus strand). Cytogenetic location: 16p13.2.
Variant type: single nucleotide variant.
Coding change: c.2191G>A on transcript NM_001134407.3 (MANE Select); coding-DNA position 2191, G replaced by A.
Protein change: p.Asp731Asn; replaces aspartic acid 731 with asparagine.
Molecular consequence: missense variant.
Genome position (GRCh38, 1-based): chr16:9,798,442, C>T on the plus strand (G>A on the coding strand, the complement: GRIN2A is on the minus strand). VCF-style: chr16-9798442-C-T. GRCh37 (hg19) VCF-style: chr16-9892299-C-T.
Other names: p.D731N:GAT>AAT; c.2191G>A, p.Asp731Asn (NM_000833.5, NM_001134408.2); short protein forms D731N.
Identifiers: ClinVar variation 205657 (VCV000205657.50), dbSNP rs796052549, ClinGen allele CA314948.

ClinVar aggregate classification (germline): Pathogenic/Likely pathogenic. Review status: criteria provided, multiple submitters, no conflicts (2 of 4 stars). 5 submissions from 5 submitters: Pathogenic (4); Likely pathogenic (1). Last evaluated 2024-12-13.

Conditions:
Landau-Kleffner syndrome (FESD). Also called: EPILEPSY, FOCAL, WITH SPEECH DISORDER AND WITH OR WITHOUT MENTAL RETARDATION; APHASIA, ACQUIRED, WITH EPILEPSY. Identifiers: Orphanet 1945, Orphanet 725, Orphanet 98818, MedGen C0282512, MONDO:0009509, OMIM 245570.
Seizure. Also called: Seizures. Identifiers: MedGen C0036572, HP:0001250.

Submissions (5):

Cytogénomique, Hospices Civils de Lyon
Classification: Pathogenic for Seizure. Last evaluated: 2024-12-13. Review status: criteria provided, single submitter. Criteria: ACMG Guidelines, 2015. Collection method: clinical testing. Allele origin: unknown. Affected: yes.

Labcorp Genetics (formerly Invitae), Labcorp
Classification: Pathogenic for Landau-Kleffner syndrome. Last evaluated: 2024-10-30. Review status: criteria provided, single submitter. Criteria: Invitae Variant Classification Sherloc (09022015). Collection method: clinical testing. Allele origin: germline.
Comment: This sequence change replaces aspartic acid, which is acidic and polar, with asparagine, which is neutral and polar, at codon 731 of the GRIN2A protein (p.Asp731Asn). This variant is not present in population databases (gnomAD no frequency). This missense change has been observed in individual(s) with clinical features of GRIN2A-related conditions (PMID: 23933820, 28182669). In at least one individual the variant was observed to be de novo. ClinVar contains an entry for this variant (Variation ID: 205657). Invitae Evidence Modeling of protein sequence and biophysical properties (such as structural, functional, and spatial information, amino acid conservation, physicochemical variation, residue mobility, and thermodynamic stability) indicates that this missense variant is expected to disrupt GRIN2A protein function with a positive predictive value of 95%. Experimental studies have shown that this missense change affects GRIN2A function (PMID: 28182669). For these reasons, this variant has been classified as Pathogenic.

CeGaT Center for Human Genetics Tuebingen
Classification: Pathogenic. Last evaluated: 2020-12-01. Review status: criteria provided, single submitter. Criteria: CeGaT Center For Human Genetics Tuebingen Variant Classification Criteria Version 2. Collection method: clinical testing. Allele origin: germline. Affected: yes. Observed: 1 variant allele.

GeneDx
Classification: Pathogenic. Last evaluated: 2019-09-19. Review status: criteria provided, single submitter. Criteria: GeneDx Variant Classification Process June 2021. Collection method: clinical testing. Allele origin: germline. Affected: yes.
Comment: Published functional studies demonstrate a loss of normal protein function (Swanger et al., 2016, Gao et al., 2017; Addis et al., 2017); Not observed in large population cohorts (Lek et al., 2016); This variant is associated with the following publications: (PMID: 23933820, 25046240, 28182669, 27839871, 28242877, 28170084)

Institute of Human Genetics, University of Leipzig Medical Center
Classification: Likely pathogenic for Landau-Kleffner syndrome. Last evaluated: 2019-01-01. Review status: criteria provided, single submitter. Criteria: ACMG Guidelines, 2015. Collection method: research. Allele origin: de novo. Affected: yes.

Literature cited by the submitters: PubMed 23933820 (cited by Labcorp Genetics (formerly Invitae), Labcorp); PubMed 28182669 (cited by Labcorp Genetics (formerly Invitae), Labcorp); PubMed 30544257 (cited by Institute of Human Genetics, University of Leipzig Medical Center).